The following is an entry in ClinVar:

NM_000821.7(GGCX):c.*1965G>T

Gene: GGCX (gamma-glutamyl carboxylase; minus strand). Cytogenetic location: 2p11.2.
Variant type: single nucleotide variant.
Coding change: c.*1965G>T on transcript NM_000821.7 (MANE Select); 1965 bases downstream of the stop codon, G replaced by T.
Molecular consequence: 3 prime UTR variant.
Genome position (GRCh38, 1-based): chr2:85,547,969, C>A on the plus strand (G>T on the coding strand, the complement: GGCX is on the minus strand). VCF-style: chr2-85547969-C-A. GRCh37 (hg19) VCF-style: chr2-85775092-C-A.
Other names: c.*1965G>T (NM_001142269.4).
Identifiers: ClinVar variation 337223 (VCV000337223.5), dbSNP rs113958713, ClinGen allele CA10614517.

ClinVar aggregate classification (germline): Benign (1 of 4 stars; one submission).

Conditions:
Vitamin K-dependent clotting factors, combined deficiency of, type 1. Also called: FACTORS II, VII, IX, AND X, COMBINED DEFICIENCY OF; FAMILIAL MULTIPLE COAGULATION FACTOR DEFICIENCY III; FMFD III; GLUTAMIC ACID, DEFICIENT GAMMA-CARBOXYLATION OF; MULTIPLE COAGULATION FACTOR DEFICIENCY III; VITAMIN K-DEPENDENT COAGULATION DEFECT. Identifiers: Orphanet 98434, MedGen C1848534, MONDO:0010187, OMIM 277450.

Allele frequency attached by ClinVar (database versions not stated): 1000 Genomes Project 0.02616; gnomAD 0.02750 and 0.02948; 1000 Genomes Project 30x 0.02826; TOPMed 0.03105.

Submission:

Illumina Laboratory Services, Illumina
Classification: Benign for Vitamin K-dependent clotting factors, combined deficiency of, type 1. Last evaluated: 2018-01-13. Review status: criteria provided, single submitter. Criteria: ICSL Variant Classification Criteria 13 December 2019. Collection method: clinical testing. Allele origin: germline.
Comment: This variant was observed in the ICSL laboratory as part of a predisposition screen in an ostensibly healthy population. It had not been previously curated by ICSL or reported in the Human Gene Mutation Database (HGMD: prior to June 1st, 2018), and was therefore a candidate for classification through an automated scoring system. Utilizing variant allele frequency, disease prevalence and penetrance estimates, and inheritance mode, an automated score was calculated to assess if this variant is too frequent to cause the disease. Based on the score and internal cut-off values, a variant classified as benign is not then subjected to further curation. The score for this variant resulted in a classification of benign for this disease.